The following is an entry in ClinVar:

NM_000051.4(ATM):c.6585T>C (p.His2195=)

Genes: ATM (ATM serine/threonine kinase; plus strand), C11orf65 (chromosome 11 open reading frame 65; minus strand). Cytogenetic location: 11q22.3.
Variant type: single nucleotide variant.
Coding change: c.6585T>C on transcript NM_000051.4 (MANE Select); coding-DNA position 6585, T replaced by C.
Protein change: p.His2195=; no amino-acid change (histidine 2195 retained).
Molecular consequence: synonymous variant. On other transcripts: intron variant (2).
Genome position (GRCh38, 1-based): chr11:108,325,322, T>C. VCF-style: chr11-108325322-T-C. GRCh37 (hg19) VCF-style: chr11-108196049-T-C.
Other names: c.6585T>C, p.His2195= (NM_001351834.2); c.641-16251A>G (NM_001330368.2); c.*38+9898A>G (NM_001351110.2).
Identifiers: ClinVar variation 187010 (VCV000187010.19), dbSNP rs786203401, ClinGen allele CA196491.

ClinVar aggregate classification (germline): Benign/Likely benign. Review status: criteria provided, multiple submitters, no conflicts (2 of 4 stars). 5 submissions from 5 submitters: Benign (1); Likely benign (4). Last evaluated 2025-09-25.

Conditions:
Hereditary cancer-predisposing syndrome. Also called: Hereditary Cancer Syndrome; Tumor predisposition; Neoplastic Syndromes, Hereditary; Hereditary neoplastic syndrome. Identifiers: Orphanet 140162, MedGen C0027672, MeSH D009386, MONDO:0015356.
Familial cancer of breast. Also called: hereditary breast carcinoma; BREAST CANCER, FAMILIAL; Hereditary breast cancer. Identifiers: Orphanet 227535, MedGen C0346153, MONDO:0016419, OMIM 114480. Disease mechanism: loss of function.
Ataxia-telangiectasia syndrome (AT). Also called: ATAXIA-TELANGIECTASIA, COMPLEMENTATION GROUP A; ATAXIA-TELANGIECTASIA, FRESNO VARIANT; Ataxia-telangiectasia; Ataxia-telangiectasia, complementation group E; Cerebello-oculocutaneous telangiectasia; Immunodeficiency with ataxia telangiectasia. Identifiers: Orphanet 100, MedGen C0004135, MONDO:0008840, OMIM 208900.

Allele frequency attached by ClinVar (database versions not stated): gnomAD exomes below 0.00001.
gnomAD v4.1: 4 of 1,551,264 alleles (0.00026%); highest among the groups gnomAD compares: South Asian, 0.0011%; no homozygotes.

Submissions (5):

Labcorp Genetics (formerly Invitae), Labcorp
Classification: Likely benign for Ataxia-telangiectasia syndrome. Last evaluated: 2025-09-25. Review status: criteria provided, single submitter. Criteria: Invitae Variant Classification Sherloc (09022015). Collection method: clinical testing. Allele origin: germline.

Myriad Genetics, Inc.
Classification: Benign for Familial cancer of breast. Last evaluated: 2024-06-07. Review status: criteria provided, single submitter. Criteria: Myriad Autosomal Dominant, Autosomal Recessive and X-Linked Classification Criteria (2023). Collection method: clinical testing. Allele origin: unknown.
Comment: This variant is considered benign. This variant is a silent/synonymous amino acid change and it is not expected to impact splicing.

Color Diagnostics, LLC DBA Color Health
Classification: Likely benign for Hereditary cancer-predisposing syndrome. Last evaluated: 2017-10-26. Review status: criteria provided, single submitter. Criteria: ACMG Guidelines, 2015. Collection method: clinical testing. Allele origin: germline.

GeneDx
Classification: Likely benign. Last evaluated: 2016-05-17. Review status: criteria provided, single submitter. Criteria: GeneDx Variant Classification (06012015). Collection method: clinical testing. Allele origin: germline. Affected: yes.
Comment: This variant is considered likely benign or benign based on one or more of the following criteria: it is a conservative change, it occurs at a poorly conserved position in the protein, it is predicted to be benign by multiple in silico algorithms, and/or has population frequency not consistent with disease.

Ambry Genetics
Classification: Likely benign for Hereditary cancer-predisposing syndrome. Last evaluated: 2014-10-30. Review status: criteria provided, single submitter. Criteria: Ambry Variant Classification Scheme 2023. Collection method: clinical testing. Allele origin: germline.